The following is an entry in ClinVar:

NC_000017.10:g.(?_78090747)_(78093130_?)del

Gene: GAA (alpha glucosidase; plus strand). Cytogenetic location: 17q25.3.
Variant type: Deletion.
Identifiers: ClinVar variation 3242833 (VCV003242833.1).

ClinVar aggregate classification (germline): Pathogenic (1 of 4 stars; one submission).

Conditions:
Glycogen storage disease, type II (IOPD). Also called: CARDIOMEGALIA GLYCOGENICA DIFFUSA; GLYCOGENOSIS, GENERALIZED, CARDIAC FORM; GSD II; Glycogen storage disease type 2; Acid maltase deficiency disease; Aglucosidase alfa. Identifiers: Orphanet 365, MedGen C0017921, MONDO:0009290, OMIM 232300.

Submission:

Labcorp Genetics (formerly Invitae), Labcorp
Classification: Pathogenic for Glycogen storage disease, type II. Last evaluated: 2023-08-07. Review status: criteria provided, single submitter. Criteria: Invitae Variant Classification Sherloc (09022015). Collection method: clinical testing. Allele origin: unknown.
Comment: This variant is a gross deletion of the genomic region encompassing exon(s) 16-20 of the GAA gene, which includes the termination codon. This deletion extends beyond the assayed region for this gene and therefore may encompass additional genes. While this deletion is not anticipated to lead to nonsense mediated decay, it is expected to alter mRNA translation or result in a truncated protein product. For these reasons, this variant has been classified as Pathogenic. This variant disrupts a region of the GAA protein in which other variant(s) (p.Tyr928Cys) have been determined to be pathogenic (PMID: 22252923, 29122469, 31606152, 33301762, 33741225). This suggests that this is a clinically significant region of the protein, and that variants that disrupt it are likely to be disease-causing. A similar copy number variant has been observed in individual(s) with Pompe disease (PMID: 33741225).

Literature cited by the submitters: PubMed 22252923; PubMed 29122469; PubMed 31606152; PubMed 33301762; PubMed 33741225.